The following is an entry in ClinVar:

NM_000384.3(APOB):c.2721C>T (p.His907=)

Gene: APOB (apolipoprotein B; minus strand). Cytogenetic location: 2p24.1.
Variant type: single nucleotide variant.
Coding change: c.2721C>T on transcript NM_000384.3 (MANE Select); coding-DNA position 2721, C replaced by T.
Protein change: p.His907=; no amino-acid change (histidine 907 retained).
Molecular consequence: synonymous variant.
Genome position (GRCh38, 1-based): chr2:21,022,926, G>A on the plus strand (C>T on the coding strand, the complement: APOB is on the minus strand). VCF-style: chr2-21022926-G-A. GRCh37 (hg19) VCF-style: chr2-21245798-G-A.
Identifiers: ClinVar variation 928352 (VCV000928352.16), dbSNP rs72653068, ClinGen allele CA057075.
Genomic context (GRCh38, chr2:21,022,926, plus strand): 5'-AGGAATGATAAACTTCAGCTTCCCAGCTTTTAGGGCAACATGAGCCTCCAGACCCGACTC[G>A]TGGAAGAAGTTGGTGTTCATCTGGACCCCACTCCTAGCGAAGTCCGGAATGATGATGCCC-3'
Protein context (NP_000375.3, residues 897-917): SGVQMNTNFF[His907=]ESGLEAHVAL

ClinVar aggregate classification (germline): Likely benign. Review status: criteria provided, multiple submitters, no conflicts (2 of 4 stars). 3 submissions from 3 submitters: Likely benign (3). Last evaluated 2024-08-22.

Conditions:
Cardiovascular phenotype. Identifiers: MedGen CN230736.
Familial hypobetalipoproteinemia 1. Also called: Hypobetalipoproteinemia, normotriglyceridemic; Acanthocytosis with hypobetalipoproteinemia; APOB-Related Familial Hypobetalipoproteinemia. Identifiers: MedGen C4551990, MONDO:0014252, OMIM 615558.
Hypercholesterolemia, autosomal dominant, type B (FHCL2). Also called: Familial Hypercholesterolemia Type B; HYPERCHOLESTEROLEMIA, FAMILIAL, DUE TO LIGAND-DEFECTIVE APOLIPOPROTEIN B; Familial hypercholesterolemia 2; APOB-Related Familial Hypercholesterolemia, Autosomal Dominant; APOLIPOPROTEIN B-100, FAMILIAL DEFECTIVE; APOLIPOPROTEIN B-100, FAMILIAL LIGAND-DEFECTIVE. Identifiers: MedGen C1704417, MONDO:0007751, OMIM 144010.
Familial hypercholesterolemia. Also called: Familial hypercholesterolemias; Familial hypercholesterolaemia. Identifiers: MedGen C0020445, MONDO:0005439.

Allele frequency attached by ClinVar (database versions not stated): TOPMed below 0.00001; gnomAD 0.00001; gnomAD exomes 0.00001 and 0.00002; ExAC 0.00002.
gnomAD v4.1: 10 of 1,614,140 alleles (0.00062%); highest among the groups gnomAD compares: South Asian, 0.0055%; no homozygotes.

Submissions (3):

GENinCode PLC
Classification: Likely benign for Familial hypercholesterolemia. Last evaluated: 2024-08-22. Review status: criteria provided, single submitter. Criteria: ACMG Guidelines, 2015. Collection method: clinical testing. Allele origin: germline.
Comment: This is a synonymous (silent) variant that is not predicted by SpliceAI to impact splicing. In addition, it occurs at a nucleotide that is not conserved. Therefore this variant has been classified as Likely Benign (BP4, BP7).

Labcorp Genetics (formerly Invitae), Labcorp
Classification: Likely benign for Familial hypobetalipoproteinemia 1; Hypercholesterolemia, autosomal dominant, type B. Last evaluated: 2024-08-21. Review status: criteria provided, single submitter. Criteria: Invitae Variant Classification Sherloc (09022015). Collection method: clinical testing. Allele origin: germline.

Ambry Genetics
Classification: Likely benign for Cardiovascular phenotype. Last evaluated: 2019-07-23. Review status: criteria provided, single submitter. Criteria: Ambry Variant Classification Scheme 2023. Collection method: clinical testing. Allele origin: germline.